The following is an entry in ClinVar:

NM_005982.4(SIX1):c.313_321del (p.Ala105_Gly107del)

Gene: SIX1 (SIX homeobox 1; minus strand). Cytogenetic location: 14q23.1.
Variant type: Deletion.
Coding change: c.313_321del on transcript NM_005982.4 (MANE Select); coding-DNA positions 313 to 321, 9 bases deleted (GCCGTGGGC; older notation c.313_321delGCCGTGGGC).
Protein change: p.Ala105_Gly107del.
Genome position (GRCh38, 1-based): chr14:60,648,869-60,648,877, GCCCACGGC deleted on the plus strand (GCCGTGGGC on the coding strand, the reverse complement: SIX1 is on the minus strand); deleting any 9 consecutive bases within chr14:60,648,869-60,648,882 gives the same sequence; the c. name uses the placement nearest the transcript's 3' end. VCF-style (leftmost placement, unchanged base first): chr14-60648868-TGCCCACGGC-T. GRCh37 (hg19) VCF-style: chr14-61115586-TGCCCACGGC-T.
Other names: c.313_321del, p.Ala105_Gly107del (NM_001425142.1).
Identifiers: ClinVar variation 3364597 (VCV003364597.1).

ClinVar aggregate classification (germline): Uncertain significance (1 of 4 stars; one submission).

Submission:

GeneDx
Classification: Uncertain significance. Last evaluated: 2023-11-28. Review status: criteria provided, single submitter. Criteria: GeneDx Variant Classification Process June 2021. Collection method: clinical testing. Allele origin: germline. Affected: yes.
Comment: In-frame deletion of 3 amino acids in a non-repeat region; Not observed at significant frequency in large population cohorts (gnomAD); In silico analysis supports a deleterious effect on protein structure/function; Has not been previously published as pathogenic or benign to our knowledge